The following is an entry in ClinVar:

ClinVar aggregate classification (germline): Uncertain significance (1 of 4 stars; one submission).

Conditions:
Bardet-Biedl syndrome (BBS). Identifiers: Orphanet 110, MedGen C0752166, MONDO:0015229.

Allele frequency attached by ClinVar (database versions not stated): gnomAD exomes 0.00001 and 0.00002; ExAC 0.00003.
gnomAD v4.1: 6 of 1,610,950 alleles (0.00037%); highest among the groups gnomAD compares: South Asian, 0.0044%; no homozygotes.

Submission:

Labcorp Genetics (formerly Invitae), Labcorp
Classification: Uncertain significance for Bardet-Biedl syndrome. Last evaluated: 2022-06-20. Review status: criteria provided, single submitter. Criteria: Invitae Variant Classification Sherloc (09022015). Collection method: clinical testing. Allele origin: germline.
Comment: In summary, the available evidence is currently insufficient to determine the role of this variant in disease. Therefore, it has been classified as a Variant of Uncertain Significance. Algorithms developed to predict the effect of missense changes on protein structure and function are either unavailable or do not agree on the potential impact of this missense change (SIFT: "Deleterious"; PolyPhen-2: "Benign"; Align-GVGD: "Class C0"). ClinVar contains an entry for this variant (Variation ID: 1059145). This variant has not been reported in the literature in individuals affected with BBS1-related conditions. This variant is present in population databases (rs777746992, gnomAD 0.006%). This sequence change replaces histidine, which is basic and polar, with leucine, which is neutral and non-polar, at codon 449 of the BBS1 protein (p.His449Leu).

NM_024649.5(BBS1):c.1346A>T (p.His449Leu)

Genes: BBS1 (Bardet-Biedl syndrome 1; plus strand), ZDHHC24 (zDHHC palmitoyltransferase 24; minus strand). Cytogenetic location: 11q13.2.
Variant type: single nucleotide variant.
Coding change: c.1346A>T on transcript NM_024649.5 (MANE Select); coding-DNA position 1346, A replaced by T.
Protein change: p.His449Leu; replaces histidine 449 with leucine.
Molecular consequence: missense variant. On other transcripts: intron variant (1).
Genome position (GRCh38, 1-based): chr11:66,529,825, A>T. VCF-style: chr11-66529825-A-T. GRCh37 (hg19) VCF-style: chr11-66297296-A-T.
Other names: c.560-337T>A (NM_001348571.2); short protein forms H449L.
Identifiers: ClinVar variation 1059145 (VCV001059145.9), dbSNP rs777746992, ClinGen allele CA6123746.
Genomic context (GRCh38, chr11:66,529,825, plus strand): 5'-TCCTCCCTGCCACCCCCCACCTCCACCGTCAGCCTCTGGGACCCTTCTCCACAGCCATGC[A>T]CCGGGCCTTCCAGACAGACCTATACCTGCTGCGCCTACGTGCTGCCCGCGCCTACCTGCA-3'
Protein context (NP_078925.3, residues 439-459): LREREAGTAM[His449Leu]RAFQTDLYLL